The following is an entry in ClinVar:

NM_001852.4(COL9A2):c.535C>G (p.Pro179Ala)

Gene: COL9A2 (collagen type IX alpha 2 chain; minus strand). Cytogenetic location: 1p34.2.
Variant type: single nucleotide variant.
Coding change: c.535C>G on transcript NM_001852.4 (MANE Select); coding-DNA position 535, C replaced by G.
Protein change: p.Pro179Ala; replaces proline 179 with alanine.
Molecular consequence: missense variant.
Genome position (GRCh38, 1-based): chr1:40,311,271, G>C on the plus strand (C>G on the coding strand, the complement: COL9A2 is on the minus strand). VCF-style: chr1-40311271-G-C. GRCh37 (hg19) VCF-style: chr1-40776943-G-C.
Other names: short protein forms P179A.
Identifiers: ClinVar variation 2812571 (VCV002812571.3), dbSNP rs2522549436, ClinGen allele CA339855961.
Genomic context (GRCh38, chr1:40,311,271, plus strand): 5'-TCAGGCCAGGAGCTCTCACCTTCACTCCCTGCAGCCCTGGGGGACCTTTCATTCCGGGTG[G>C]ACAGTTGGTTGGACACTGGAAACAGAAAATCCCACAGGGTCCTGTGATCAGCTGGGCAGT-3'
Protein context (NP_001843.1, residues 169-189): SADFLCPTNC[Pro179Ala]PGMKGPPGLQ

ClinVar aggregate classification (germline): Uncertain significance (1 of 4 stars; one submission).

Submission:

Labcorp Genetics (formerly Invitae), Labcorp
Classification: Uncertain significance. Last evaluated: 2025-07-07. Review status: criteria provided, single submitter. Criteria: Invitae Variant Classification Sherloc (09022015). Collection method: clinical testing. Allele origin: germline.
Comment: This sequence change replaces proline, which is neutral and non-polar, with alanine, which is neutral and non-polar, at codon 179 of the COL9A2 protein (p.Pro179Ala). This variant is not present in population databases (gnomAD no frequency). This variant has not been reported in the literature in individuals affected with COL9A2-related conditions. ClinVar contains an entry for this variant (Variation ID: 2812571). Invitae Evidence Modeling of protein sequence and biophysical properties (such as structural, functional, and spatial information, amino acid conservation, physicochemical variation, residue mobility, and thermodynamic stability) indicates that this missense variant is not expected to disrupt COL9A2 protein function with a negative predictive value of 95%. In summary, the available evidence is currently insufficient to determine the role of this variant in disease. Therefore, it has been classified as a Variant of Uncertain Significance.